The following is an entry in ClinVar:

NM_006269.2(RP1):c.495G>T (p.Lys165Asn)

Gene: RP1 (RP1 axonemal microtubule associated; plus strand). Cytogenetic location: 8q12.1.
Variant type: single nucleotide variant.
Coding change: c.495G>T on transcript NM_006269.2 (MANE Select); coding-DNA position 495, G replaced by T.
Protein change: p.Lys165Asn; replaces lysine 165 with asparagine.
Molecular consequence: missense variant.
Genome position (GRCh38, 1-based): chr8:54,621,461, G>T. VCF-style: chr8-54621461-G-T. GRCh37 (hg19) VCF-style: chr8-55534021-G-T.
Other names: c.495G>T, p.Lys165Asn (NM_001375654.1); short protein forms K165N.
Identifiers: ClinVar variation 1349910 (VCV001349910.8), dbSNP rs1186642498, ClinGen allele CA370987054.

ClinVar aggregate classification (germline): Uncertain significance (1 of 4 stars; one submission).

Submission:

Labcorp Genetics (formerly Invitae), Labcorp
Classification: Uncertain significance. Last evaluated: 2025-04-16. Review status: criteria provided, single submitter. Criteria: Invitae Variant Classification Sherloc (09022015). Collection method: clinical testing. Allele origin: germline.
Comment: This sequence change replaces lysine, which is basic and polar, with asparagine, which is neutral and polar, at codon 165 of the RP1 protein (p.Lys165Asn). This variant is not present in population databases (gnomAD no frequency). This variant has not been reported in the literature in individuals affected with RP1-related conditions. ClinVar contains an entry for this variant (Variation ID: 1349910). An algorithm developed to predict the effect of missense changes on protein structure and function outputs the following: PolyPhen-2: "Benign". The asparagine amino acid residue is found in multiple mammalian species, which suggests that this missense change does not adversely affect protein function. In summary, the available evidence is currently insufficient to determine the role of this variant in disease. Therefore, it has been classified as a Variant of Uncertain Significance.